The following is an entry in ClinVar:

ClinVar aggregate classification (germline): Benign/Likely benign. Review status: criteria provided, multiple submitters, no conflicts (2 of 4 stars). 2 submissions from 2 submitters: Benign (1); Likely benign (1). Last evaluated 2026-03-01.

Allele frequency attached by ClinVar (database versions not stated): TOPMed 0.00020; gnomAD 0.00030; gnomAD exomes 0.00055; ExAC 0.00134; 1000 Genomes Project 30x 0.00156; 1000 Genomes Project 0.00180.
gnomAD v4.1: 876 of 1,613,764 alleles (0.054%); highest among the groups gnomAD compares: South Asian, 0.66%; 22 homozygotes.

Submissions (2):

CeGaT Center for Human Genetics Tuebingen
Classification: Likely benign. Last evaluated: 2026-03-01. Review status: criteria provided, single submitter. Criteria: CeGaT Center For Human Genetics Tuebingen Variant Classification Criteria Version 2. Collection method: clinical testing. Allele origin: germline. Affected: yes. Observed: 3 variant alleles.
Comment: KDF1: BP4, BS2

Labcorp Genetics (formerly Invitae), Labcorp
Classification: Benign. Last evaluated: 2025-12-24. Review status: criteria provided, single submitter. Criteria: Invitae Variant Classification Sherloc (09022015). Collection method: clinical testing. Allele origin: germline.

NM_152365.3(KDF1):c.1153G>A (p.Asp385Asn)

Gene: KDF1 (keratinocyte differentiation factor 1; minus strand). Cytogenetic location: 1p36.11.
Variant type: single nucleotide variant.
Coding change: c.1153G>A on transcript NM_152365.3 (MANE Select); coding-DNA position 1153, G replaced by A.
Protein change: p.Asp385Asn; replaces aspartic acid 385 with asparagine.
Molecular consequence: missense variant.
Genome position (GRCh38, 1-based): chr1:26,950,113, C>T on the plus strand (G>A on the coding strand, the complement: KDF1 is on the minus strand). VCF-style: chr1-26950113-C-T. GRCh37 (hg19) VCF-style: chr1-27276604-C-T.
Other names: short protein forms D385N.
Identifiers: ClinVar variation 2638549 (VCV002638549.27), dbSNP rs200294153, ClinGen allele CA710137.